The following is an entry in ClinVar:

ClinVar aggregate classification (germline): Uncertain significance (1 of 4 stars; one submission).

Conditions:
Fanconi anemia complementation group O. Also called: RAD51C-Related Fanconi Anemia. Identifiers: Orphanet 84, MedGen C3150653, MONDO:0013248, OMIM 613390.

Submission:

Labcorp Genetics (formerly Invitae), Labcorp
Classification: Uncertain significance for Fanconi anemia complementation group O. Last evaluated: 2023-11-02. Review status: criteria provided, single submitter. Criteria: Invitae Variant Classification Sherloc (09022015). Collection method: clinical testing. Allele origin: germline.
Comment: This sequence change replaces alanine, which is neutral and non-polar, with glycine, which is neutral and non-polar, at codon 22 of the RAD51C protein (p.Ala22Gly). This variant is not present in population databases (gnomAD no frequency). This variant has not been reported in the literature in individuals affected with RAD51C-related conditions. Advanced modeling of protein sequence and biophysical properties (such as structural, functional, and spatial information, amino acid conservation, physicochemical variation, residue mobility, and thermodynamic stability) performed at Invitae indicates that this missense variant is not expected to disrupt RAD51C protein function with a negative predictive value of 80%. Algorithms developed to predict the effect of sequence changes on RNA splicing suggest that this variant may create or strengthen a splice site. In summary, the available evidence is currently insufficient to determine the role of this variant in disease. Therefore, it has been classified as a Variant of Uncertain Significance.

NM_058216.3(RAD51C):c.65C>G (p.Ala22Gly)

Gene: RAD51C (RAD51 paralog C; plus strand). Cytogenetic location: 17q22.
Variant type: single nucleotide variant.
Coding change: c.65C>G on transcript NM_058216.3 (MANE Select); coding-DNA position 65, C replaced by G.
Protein change: p.Ala22Gly; replaces alanine 22 with glycine.
Molecular consequence: missense variant. On other transcripts: non-coding transcript variant (1).
Genome position (GRCh38, 1-based): chr17:58,692,708, C>G. VCF-style: chr17-58692708-C-G. GRCh37 (hg19) VCF-style: chr17-56770069-C-G.
Other names: c.65C>G, p.Ala22Gly (NM_002876.4, NM_058217.1); short protein forms A22G.
Identifiers: ClinVar variation 2692721 (VCV002692721.3), dbSNP rs2143676047, ClinGen allele CA400336837.
Genomic context (GRCh38, chr17:58,692,708, plus strand): 5'-GCGGGAAGACGTTCCGCTTTGAAATGCAGCGGGATTTGGTGAGTTTCCCGCTGTCTCCAG[C>G]GGTGCGGGTGAAGCTGGTGTCTGCGGGGTTCCAGACTGCTGAGGAACTCCTAGAGGTGAA-3'
Protein context (NP_478123.1, residues 12-32): RDLVSFPLSP[Ala22Gly]VRVKLVSAGF